The following is an entry in ClinVar:

ClinVar aggregate classification (germline): Uncertain significance (1 of 4 stars; one submission).

Submission:

GeneDx
Classification: Uncertain significance. Last evaluated: 2025-03-19. Review status: criteria provided, single submitter. Criteria: GeneDx Variant Classification Process June 2021. Collection method: clinical testing. Allele origin: germline. Affected: yes.
Comment: Not observed at significant frequency in large population cohorts (gnomAD); In silico analysis supports that this missense variant has a deleterious effect on protein structure/function; Has not been previously published as pathogenic or benign to our knowledge; Also known as p.(E3824A)

NM_000384.3(APOB):c.11552A>C (p.Glu3851Ala)

Gene: APOB (apolipoprotein B; minus strand). Cytogenetic location: 2p24.1.
Variant type: single nucleotide variant.
Coding change: c.11552A>C on transcript NM_000384.3 (MANE Select); coding-DNA position 11552, A replaced by C.
Protein change: p.Glu3851Ala; replaces glutamic acid 3851 with alanine.
Molecular consequence: missense variant.
Genome position (GRCh38, 1-based): chr2:21,005,316, T>G on the plus strand (A>C on the coding strand, the complement: APOB is on the minus strand). VCF-style: chr2-21005316-T-G. GRCh37 (hg19) VCF-style: chr2-21228188-T-G.
Other names: short protein forms E3851A.
Identifiers: ClinVar variation 4086697 (VCV004086697.1).
Genomic context (GRCh38, chr2:21,005,316, plus strand): 5'-ACAGAGAACTTAATGGAGGGAATCTCAATGGTCTGCTCAGGCACGATGATGGTGGGCAAC[T>G]CAAAGTCTGCGATCTTGTTGGCTACTGCATTTAGATCCAAAGCAGCAATGCCATCTGAAA-3'
Protein context (NP_000375.3, residues 3841-3861): NAVANKIADF[Glu3851Ala]LPTIIVPEQT